The following is an entry in ClinVar:

ClinVar aggregate classification (germline): Uncertain significance (1 of 4 stars; one submission).

Allele frequency attached by ClinVar (database versions not stated): TOPMed below 0.00001.

Submission:

Labcorp Genetics (formerly Invitae), Labcorp
Classification: Uncertain significance. Last evaluated: 2024-02-23. Review status: criteria provided, single submitter. Criteria: Invitae Variant Classification Sherloc (09022015). Collection method: clinical testing. Allele origin: germline.
Comment: This sequence change replaces arginine, which is basic and polar, with leucine, which is neutral and non-polar, at codon 64 of the ZCCHC8 protein (p.Arg64Leu). This variant is not present in population databases (gnomAD no frequency). This variant has not been reported in the literature in individuals affected with ZCCHC8-related conditions. Advanced modeling of protein sequence and biophysical properties (such as structural, functional, and spatial information, amino acid conservation, physicochemical variation, residue mobility, and thermodynamic stability) performed at Invitae indicates that this missense variant is not expected to disrupt ZCCHC8 protein function with a negative predictive value of 80%. In summary, the available evidence is currently insufficient to determine the role of this variant in disease. Therefore, it has been classified as a Variant of Uncertain Significance.

NM_017612.5(ZCCHC8):c.191G>T (p.Arg64Leu)

Gene: ZCCHC8 (zinc finger CCHC-type containing 8; minus strand). Cytogenetic location: 12q24.31.
Variant type: single nucleotide variant.
Coding change: c.191G>T on transcript NM_017612.5 (MANE Select); coding-DNA position 191, G replaced by T.
Protein change: p.Arg64Leu; replaces arginine 64 with leucine.
Molecular consequence: missense variant. On other transcripts: 5 prime UTR variant (3).
Genome position (GRCh38, 1-based): chr12:122,500,650, C>A on the plus strand (G>T on the coding strand, the complement: ZCCHC8 is on the minus strand). VCF-style: chr12-122500650-C-A. GRCh37 (hg19) VCF-style: chr12-122985197-C-A.
Other names: c.191G>T, p.Arg64Leu (NM_001350935.2); c.-733G>T (NM_001350936.2); c.-354G>T (NM_001350937.2); c.-248G>T (NM_001350938.2); short protein forms R64L.
Identifiers: ClinVar variation 2894114 (VCV002894114.3), dbSNP rs866586054, ClinGen allele CA482210462.